The following is an entry in ClinVar:

NM_139058.3(ARX):c.172G>A (p.Ala58Thr)

Gene: ARX (aristaless related homeobox; minus strand). Cytogenetic location: Xp21.3.
Variant type: single nucleotide variant.
Coding change: c.172G>A on transcript NM_139058.3 (MANE Select); coding-DNA position 172, G replaced by A.
Protein change: p.Ala58Thr; replaces alanine 58 with threonine.
Molecular consequence: missense variant.
Genome position (GRCh38, 1-based): chrX:25,015,566, C>T on the plus strand (G>A on the coding strand, the complement: ARX is on the minus strand). VCF-style: chrX-25015566-C-T. GRCh37 (hg19) VCF-style: chrX-25033683-C-T.
Other names: short protein forms A58T.
Identifiers: ClinVar variation 3749777 (VCV003749777.2).
Genomic context (GRCh38, chrX:25,015,566, plus strand): 5'-ATGCCCTTAGTAAGTGCCTGACGGGAGCATCCTTACCTTGCACGGCCTTTTCCGGGTCGG[C>T]GCGGCTGGTCAGCGGAGCAGGCAAGCTCTGCGCGGCTCCCAGCAACCGCATTTTGCACGG-3'
Protein context (NP_620689.1, residues 48-68): QSLPAPLTSR[Ala58Thr]DPEKAVQGSP

ClinVar aggregate classification (germline): Uncertain significance (1 of 4 stars; one submission).

Conditions:
Developmental and epileptic encephalopathy, 1 (DEE1). Also called: X-linked infantile spasms; West's syndrome; Tonic spasms with clustering, arrest of psychomotor development and hypsarrhythmia on EEG; X-Linked Infantile Spasm Syndrome; OHTAHARA SYNDROME, X-LINKED; INFANTILE SPASM SYNDROME, X-LINKED 1. Identifiers: MedGen C3463992, MONDO:0010632, OMIM 308350. Disease mechanism: loss of function.
Intellectual disability, X-linked, with or without seizures, ARX-related. Also called: Mental retardation, X-linked 52; MENTAL RETARDATION, X-LINKED 29; MENTAL RETARDATION, X-LINKED 32; MENTAL RETARDATION, X-LINKED 33; MENTAL RETARDATION, X-LINKED 38; MENTAL RETARDATION, X-LINKED 43. Identifiers: Orphanet 777, MedGen C0796244, MONDO:0010317, OMIM 300419.

Submission:

Labcorp Genetics (formerly Invitae), Labcorp
Classification: Uncertain significance for Developmental and epileptic encephalopathy, 1; Intellectual disability, X-linked, with or without seizures, ARX-related. Last evaluated: 2025-01-30. Review status: criteria provided, single submitter. Criteria: Invitae Variant Classification Sherloc (09022015). Collection method: clinical testing. Allele origin: germline.
Comment: This sequence change replaces alanine, which is neutral and non-polar, with threonine, which is neutral and polar, at codon 58 of the ARX protein (p.Ala58Thr). This variant is not present in population databases (gnomAD no frequency). This variant has not been reported in the literature in individuals affected with ARX-related conditions. Invitae Evidence Modeling of protein sequence and biophysical properties (such as structural, functional, and spatial information, amino acid conservation, physicochemical variation, residue mobility, and thermodynamic stability) indicates that this missense variant is not expected to disrupt ARX protein function with a negative predictive value of 95%. In summary, the available evidence is currently insufficient to determine the role of this variant in disease. Therefore, it has been classified as a Variant of Uncertain Significance.